The following is an entry in ClinVar:

ClinVar aggregate classification (germline): Uncertain significance (1 of 4 stars; one submission).

Submission:

Labcorp Genetics (formerly Invitae), Labcorp
Classification: Uncertain significance. Last evaluated: 2021-09-08. Review status: criteria provided, single submitter. Criteria: Invitae Variant Classification Sherloc (09022015). Collection method: clinical testing. Allele origin: germline.
Comment: This sequence change replaces valine with methionine at codon 379 of the GATA3 protein (p.Val379Met). The valine residue is moderately conserved and there is a small physicochemical difference between valine and methionine. This variant is not present in population databases (ExAC no frequency). This variant has not been reported in the literature in individuals affected with GATA3-related conditions. Algorithms developed to predict the effect of missense changes on protein structure and function are either unavailable or do not agree on the potential impact of this missense change (SIFT: "Deleterious"; PolyPhen-2: "Possibly Damaging"; Align-GVGD: "Class C0"). In summary, the available evidence is currently insufficient to determine the role of this variant in disease. Therefore, it has been classified as a Variant of Uncertain Significance.

NM_001002295.2(GATA3):c.1135G>A (p.Val379Met)

Gene: GATA3 (GATA binding protein 3; plus strand). Cytogenetic location: 10p14.
Variant type: single nucleotide variant.
Coding change: c.1135G>A on transcript NM_001002295.2 (MANE Select); coding-DNA position 1135, G replaced by A.
Protein change: p.Val379Met; replaces valine 379 with methionine.
Molecular consequence: missense variant.
Genome position (GRCh38, 1-based): chr10:8,073,823, G>A. VCF-style: chr10-8073823-G-A. GRCh37 (hg19) VCF-style: chr10-8115786-G-A.
Other names: c.1132G>A, p.Val378Met (NM_002051.3); short protein forms V378M, V379M.
Identifiers: ClinVar variation 1363129 (VCV001363129.6), dbSNP rs777368917, ClinGen allele CA375975607.